The following is an entry in ClinVar:

ClinVar aggregate classification (germline): Uncertain significance (1 of 4 stars; one submission).

Submission:

GeneDx
Classification: Uncertain significance. Last evaluated: 2023-02-21. Review status: criteria provided, single submitter. Criteria: GeneDx Variant Classification Process June 2021. Collection method: clinical testing. Allele origin: germline. Affected: yes.
Comment: Not observed at significant frequency in large population cohorts (gnomAD); In silico analysis supports that this missense variant has a deleterious effect on protein structure/function; Has not been previously published as pathogenic or benign to our knowledge

NM_016284.5(CNOT1):c.875G>T (p.Arg292Met)

Gene: CNOT1 (CCR4-NOT transcription complex subunit 1; minus strand). Cytogenetic location: 16q21.
Variant type: single nucleotide variant.
Coding change: c.875G>T on transcript NM_016284.5 (MANE Select); coding-DNA position 875, G replaced by T.
Protein change: p.Arg292Met; replaces arginine 292 with methionine.
Molecular consequence: missense variant. On other transcripts: non-coding transcript variant (1).
Genome position (GRCh38, 1-based): chr16:58,583,114, C>A on the plus strand (G>T on the coding strand, the complement: CNOT1 is on the minus strand). VCF-style: chr16-58583114-C-A. GRCh37 (hg19) VCF-style: chr16-58617018-C-A.
Other names: c.875G>T, p.Arg292Met (NM_001265612.2, NM_206999.3); short protein forms R292M.
Identifiers: ClinVar variation 2577662 (VCV002577662.1), dbSNP rs1181726168, ClinGen allele CA396151439.